The following is an entry in ClinVar:

ClinVar aggregate classification (germline): Uncertain significance. Review status: criteria provided, multiple submitters, no conflicts (2 of 4 stars). 2 submissions from 2 submitters: Uncertain significance (2). Last evaluated 2025-08-22.

Conditions:
Inborn genetic diseases. Identifiers: MedGen C0950123, MeSH D030342.

Allele frequency attached by ClinVar (database versions not stated): gnomAD exomes 0.00001; ExAC 0.00002.
gnomAD v4.1: 3 of 1,614,136 alleles (0.00019%); highest among the groups gnomAD compares: Admixed American, 0.0033%; no homozygotes.

Submissions (2):

Ambry Genetics
Classification: Uncertain significance for Inborn genetic diseases. Last evaluated: 2025-08-22. Review status: criteria provided, single submitter. Criteria: Ambry Variant Classification Scheme 2023. Collection method: clinical testing. Allele origin: germline.

Labcorp Genetics (formerly Invitae), Labcorp
Classification: Uncertain significance. Last evaluated: 2022-10-17. Review status: criteria provided, single submitter. Criteria: Invitae Variant Classification Sherloc (09022015). Collection method: clinical testing. Allele origin: germline.
Comment: In summary, the available evidence is currently insufficient to determine the role of this variant in disease. Therefore, it has been classified as a Variant of Uncertain Significance. Algorithms developed to predict the effect of missense changes on protein structure and function are either unavailable or do not agree on the potential impact of this missense change (SIFT: "Deleterious"; PolyPhen-2: "Probably Damaging"; Align-GVGD: "Class C0"). This variant has not been reported in the literature in individuals affected with LAMC3-related conditions. This variant is present in population databases (rs772148137, gnomAD 0.006%). This sequence change replaces histidine, which is basic and polar, with tyrosine, which is neutral and polar, at codon 485 of the LAMC3 protein (p.His485Tyr).

NM_006059.4(LAMC3):c.1453C>T (p.His485Tyr)

Gene: LAMC3 (laminin subunit gamma 3; plus strand). Cytogenetic location: 9q34.12.
Variant type: single nucleotide variant.
Coding change: c.1453C>T on transcript NM_006059.4 (MANE Select); coding-DNA position 1453, C replaced by T.
Protein change: p.His485Tyr; replaces histidine 485 with tyrosine.
Molecular consequence: missense variant.
Genome position (GRCh38, 1-based): chr9:131,045,594, C>T. VCF-style: chr9-131045594-C-T. GRCh37 (hg19) VCF-style: chr9-133920981-C-T.
Other names: c.1453C>T (NM_006059.3); short protein forms H485Y.
Identifiers: ClinVar variation 1993489 (VCV001993489.5), dbSNP rs772148137, ClinGen allele CA5287092.
Genomic context (GRCh38, chr9:131,045,594, plus strand): 5'-GGGACCTTTAACCTGCAGCCCCACAATCCAGCTGGCTGCAGCAGCTGTTTCTGCTATGGC[C>T]ACTCCAAGGTGTGCGCGTCCACTGCCCAGTTCCAGGTGCATCACATCCTCAGCGATTTCC-3'
Protein context (NP_006050.3, residues 475-495): AGCSSCFCYG[His485Tyr]SKVCASTAQF